The following is an entry in ClinVar:

NM_182961.4(SYNE1):c.9834C>T (p.Ile3278=)

Gene: SYNE1 (spectrin repeat containing nuclear envelope protein 1; minus strand). Cytogenetic location: 6q25.2.
Variant type: single nucleotide variant.
Coding change: c.9834C>T on transcript NM_182961.4 (MANE Select); coding-DNA position 9834, C replaced by T.
Protein change: p.Ile3278=; no amino-acid change (isoleucine 3278 retained).
Molecular consequence: synonymous variant.
Genome position (GRCh38, 1-based): chr6:152,367,356, G>A on the plus strand (C>T on the coding strand, the complement: SYNE1 is on the minus strand). VCF-style: chr6-152367356-G-A. GRCh37 (hg19) VCF-style: chr6-152688491-G-A.
Other names: c.9855C>T, p.Ile3285= (NM_033071.5).
Identifiers: ClinVar variation 706785 (VCV000706785.15), dbSNP rs142241062, ClinGen allele CA4057174.

ClinVar aggregate classification (germline): Likely benign. Review status: criteria provided, multiple submitters, no conflicts (2 of 4 stars). 2 submissions from 2 submitters: Likely benign (2). Last evaluated 2026-01-19.

Conditions:
Emery-Dreifuss muscular dystrophy 4, autosomal dominant (EDMD4). Also called: EMERY-DREIFUSS MUSCULAR DYSTROPHY 4 WITH VARIABLE FEATURES. Identifiers: Orphanet 261, MedGen C2751807, MONDO:0013071, OMIM 612998.
Autosomal recessive ataxia, Beauce type. Also called: SYNE1-Related Autosomal Recessive Cerebellar Ataxia; Spinocerebellar ataxia, autosomal recessive 8; ATAXIA, RECESSIVE, OF BEAUCE; SYNE1 Deficiency. Identifiers: Orphanet 88644, MedGen C1853116, MONDO:0012549, OMIM 610743.

Allele frequency attached by ClinVar (database versions not stated): ExAC 0.00002; gnomAD exomes 0.00002 and 0.00003; gnomAD 0.00003 and 0.00004; TOPMed 0.00005; ESP Exome Variant Server 0.00008.
gnomAD v4.1: 51 of 1,613,924 alleles (0.0032%); highest among the groups gnomAD compares: African/African-American, 0.0053%; no homozygotes.

Submissions (2):

Labcorp Genetics (formerly Invitae), Labcorp
Classification: Likely benign for Emery-Dreifuss muscular dystrophy 4, autosomal dominant; Autosomal recessive ataxia, Beauce type. Last evaluated: 2026-01-19. Review status: criteria provided, single submitter. Criteria: Invitae Variant Classification Sherloc (09022015). Collection method: clinical testing. Allele origin: germline.

CeGaT Center for Human Genetics Tuebingen
Classification: Likely benign. Last evaluated: 2025-09-01. Review status: criteria provided, single submitter. Criteria: CeGaT Center For Human Genetics Tuebingen Variant Classification Criteria Version 2. Collection method: clinical testing. Allele origin: germline. Affected: yes. Observed: 1 variant allele.
Comment: SYNE1: BP4, BP7